The following is an entry in ClinVar:

ClinVar aggregate classification (germline): Likely benign (1 of 4 stars; one submission).

Allele frequency attached by ClinVar (database versions not stated): gnomAD exomes below 0.00001.
gnomAD v4.1: 2 of 1,614,050 alleles (0.00012%); highest among the groups gnomAD compares: Non-Finnish European, 0.00017%; no homozygotes.

Submission:

CeGaT Center for Human Genetics Tuebingen
Classification: Likely benign. Last evaluated: 2023-09-01. Review status: criteria provided, single submitter. Criteria: CeGaT Center For Human Genetics Tuebingen Variant Classification Criteria Version 2. Collection method: clinical testing. Allele origin: germline. Affected: yes. Observed: 1 variant allele.
Comment: KARS1: PM2:Supporting, BP4, BP7

NM_005548.3(KARS1):c.1671T>C (p.Phe557=)

Gene: KARS1 (lysyl-tRNA synthetase 1; minus strand). Cytogenetic location: 16q23.1.
Variant type: single nucleotide variant.
Coding change: c.1671T>C on transcript NM_005548.3 (MANE Select); coding-DNA position 1671, T replaced by C.
Protein change: p.Phe557=; no amino-acid change (phenylalanine 557 retained).
Molecular consequence: synonymous variant.
Genome position (GRCh38, 1-based): chr16:75,628,593, A>G on the plus strand (T>C on the coding strand, the complement: KARS1 is on the minus strand). VCF-style: chr16-75628593-A-G. GRCh37 (hg19) VCF-style: chr16-75662491-A-G.
Other names: c.1755T>C, p.Phe585= (NM_001130089.2); c.1203T>C, p.Phe401= (NM_001378148.1).
Identifiers: ClinVar variation 2582949 (VCV002582949.25), dbSNP rs899355276, ClinGen allele CA284315933.